The following is an entry in ClinVar:

ClinVar aggregate classification (germline): Benign/Likely benign. Review status: criteria provided, multiple submitters, no conflicts (2 of 4 stars). 6 submissions from 6 submitters: Benign (1); Likely benign (3). 2 of the submissions do not count toward it. Last evaluated 2025-12-08.

Conditions:
Left ventricular noncompaction 8 (LVNC8). Identifiers: Orphanet 154, Orphanet 54260, MedGen C3809288, MONDO:0014152, OMIM 615373.

Allele frequency attached by ClinVar (database versions not stated): gnomAD exomes 0.00006; ExAC 0.00008; TOPMed 0.00008; gnomAD 0.00010; ESP Exome Variant Server 0.00039.
gnomAD v4.1: 94 of 1,612,896 alleles (0.0058%); highest among the groups gnomAD compares: Non-Finnish European, 0.0078%; no homozygotes.

Submissions (6):

Labcorp Genetics (formerly Invitae), Labcorp
Classification: Likely benign for Left ventricular noncompaction 8. Last evaluated: 2025-12-08. Review status: criteria provided, single submitter. Criteria: Invitae Variant Classification Sherloc (09022015). Collection method: clinical testing. Allele origin: germline.

Women's Health and Genetics/Laboratory Corporation of America, LabCorp
Classification: Benign. Last evaluated: 2024-03-30. Review status: criteria provided, single submitter. Criteria: LabCorp Variant Classification Summary - May 2015. Collection method: clinical testing. Allele origin: germline.

GeneDx
Classification: Likely benign. Last evaluated: 2021-01-05. Review status: criteria provided, single submitter. Criteria: GeneDx Variant Classification Process June 2021. Collection method: clinical testing. Allele origin: germline. Affected: yes.
Comment: Has not been previously published as pathogenic or benign to our knowledge

Laboratory for Molecular Medicine, Mass General Brigham Personalized Medicine
Classification: Likely benign. Last evaluated: 2014-11-24. Review status: criteria provided, single submitter. Criteria: LMM Criteria. Collection method: clinical testing. Allele origin: germline. Observed: 1 variant allele.
Comment: Leu238Leu in exon 6 of PRDM16: This variant is not expected to have clinical sig nificance because it does not alter an amino acid residue and is not located wit hin the splice consensus sequence. It has been identified in 0.1% (5/8480) of Eu ropean American chromosomes from a broad population by the NHLBI Exome Sequencin g Project.

Clinical Genetics, Academic Medical Center
Classification: Benign. Review status: no assertion criteria provided. Collection method: clinical testing. Allele origin: germline. Affected: yes. Study: VKGL Data-share Consensus. Not counted in ClinVar's aggregate classification.

Joint Genome Diagnostic Labs from Nijmegen and Maastricht, Radboudumc and MUMC+
Classification: Likely benign. Review status: no assertion criteria provided. Collection method: clinical testing. Allele origin: germline. Affected: yes. Study: VKGL Data-share Consensus. Not counted in ClinVar's aggregate classification.

NM_022114.4(PRDM16):c.714C>A (p.Leu238=)

Gene: PRDM16 (PR/SET domain 16; plus strand). Cytogenetic location: 1p36.32.
Variant type: single nucleotide variant.
Coding change: c.714C>A on transcript NM_022114.4 (MANE Select); coding-DNA position 714, C replaced by A.
Protein change: p.Leu238=; no amino-acid change (leucine 238 retained).
Molecular consequence: synonymous variant.
Genome position (GRCh38, 1-based): chr1:3,402,828, C>A. VCF-style: chr1-3402828-C-A. GRCh37 (hg19) VCF-style: chr1-3319392-C-A.
Other names: c.714C>A, p.Leu238= (NM_199454.3).
Identifiers: ClinVar variation 227874 (VCV000227874.20), dbSNP rs371540074, ClinGen allele CA543941.